The following is an entry in ClinVar:

ClinVar aggregate classification (germline): Pathogenic (1 of 4 stars; one submission).

Submission:

GeneDx
Classification: Pathogenic. Last evaluated: 2024-10-11. Review status: criteria provided, single submitter. Criteria: GeneDx Variant Classification Process June 2021. Collection method: clinical testing. Allele origin: germline. Affected: yes.
Comment: Frameshift variant predicted to result in abnormal protein length as the last 12 amino acid(s) are replaced with 7 different amino acid(s), and other similar variants have been reported in HGMD; Not observed at significant frequency in large population cohorts (gnomAD); This variant is associated with the following publications: (PMID: 26072248, 26773249, 20659151)

NM_005097.4(LGI1):c.1636_1637del (p.Gln546fs)

Gene: LGI1 (leucine rich glioma inactivated 1; plus strand). Cytogenetic location: 10q23.33.
Variant type: Microsatellite.
Coding change: c.1636_1637del on transcript NM_005097.4 (MANE Select); coding-DNA positions 1636 to 1637, 2 bases deleted (CA; older notation c.1636_1637delCA).
Protein change: p.Gln546fs; shifts the reading frame from glutamine 546.
Molecular consequence: frameshift variant. On other transcripts: non-coding transcript variant (1).
Genome position (GRCh38, 1-based): chr10:93,797,765-93,797,766, CA deleted; deleting any 2 consecutive bases within chr10:93,797,762-93,797,766 gives the same sequence; the c. name uses the placement nearest the transcript's 3' end. VCF-style (leftmost placement, unchanged base first): chr10-93797761-TAC-T. GRCh37 (hg19) VCF-style: chr10-95557518-TAC-T.
Other names: c.855_856del, p.His285fs (NM_001308275.2); c.1492_1493del, p.Gln498fs (NM_001308276.2); short protein forms H285fs, Q498fs, Q546fs.
Identifiers: ClinVar variation 3777298 (VCV003777298.1).